The following is an entry in ClinVar:

NM_152594.3(SPRED1):c.29A>G (p.Asn10Ser)

Gene: SPRED1 (sprouty related EVH1 domain containing 1; plus strand). Cytogenetic location: 15q14.
Variant type: single nucleotide variant.
Coding change: c.29A>G on transcript NM_152594.3 (MANE Select); coding-DNA position 29, A replaced by G.
Protein change: p.Asn10Ser; replaces asparagine 10 with serine.
Molecular consequence: missense variant.
Genome position (GRCh38, 1-based): chr15:38,253,214, A>G. VCF-style: chr15-38253214-A-G. GRCh37 (hg19) VCF-style: chr15-38545415-A-G.
Other names: short protein forms N10S.
Identifiers: ClinVar variation 970869 (VCV000970869.11), dbSNP rs1894018444, ClinGen allele CA391931851.

ClinVar aggregate classification (germline): Uncertain significance. Review status: criteria provided, multiple submitters, no conflicts (2 of 4 stars). 2 submissions from 2 submitters: Uncertain significance (2). Last evaluated 2025-05-27.

Conditions:
Cardiovascular phenotype. Identifiers: MedGen CN230736.
Legius syndrome. Identifiers: Orphanet 137605, MedGen C1969623, MONDO:0012669, OMIM 611431. Disease mechanism: loss of function.

Submissions (2):

Labcorp Genetics (formerly Invitae), Labcorp
Classification: Uncertain significance for Legius syndrome. Last evaluated: 2025-05-27. Review status: criteria provided, single submitter. Criteria: Invitae Variant Classification Sherloc (09022015). Collection method: clinical testing. Allele origin: germline.
Comment: This sequence change replaces asparagine, which is neutral and polar, with serine, which is neutral and polar, at codon 10 of the SPRED1 protein (p.Asn10Ser). This variant is not present in population databases (gnomAD no frequency). This variant has not been reported in the literature in individuals affected with SPRED1-related conditions. ClinVar contains an entry for this variant (Variation ID: 970869). An algorithm developed to predict the effect of missense changes on protein structure and function (PolyPhen-2) suggests that this variant is likely to be tolerated. In summary, the available evidence is currently insufficient to determine the role of this variant in disease. Therefore, it has been classified as a Variant of Uncertain Significance.

Ambry Genetics
Classification: Uncertain significance for Cardiovascular phenotype. Last evaluated: 2024-08-23. Review status: criteria provided, single submitter. Criteria: Ambry Variant Classification Scheme 2023. Collection method: clinical testing. Allele origin: germline.
Comment: The p.N10S variant (also known as c.29A>G), located in coding exon 1 of the SPRED1 gene, results from an A to G substitution at nucleotide position 29. The asparagine at codon 10 is replaced by serine, an amino acid with highly similar properties. This amino acid position is conserved. In addition, this alteration is predicted to be tolerated by in silico analysis. Based on the available evidence, the clinical significance of this variant remains unclear.